The following is an entry in ClinVar:

NM_005654.6(NR2F1):c.250A>T (p.Ile84Phe)

Genes: NR2F1 (nuclear receptor subfamily 2 group F member 1; plus strand), NR2F1-AS1 (NR2F1 regulatory antisense RNA 1; minus strand). Cytogenetic location: 5q15.
Variant type: single nucleotide variant.
Coding change: c.250A>T on transcript NM_005654.6 (MANE Select); coding-DNA position 250, A replaced by T.
Protein change: p.Ile84Phe; replaces isoleucine 84 with phenylalanine.
Molecular consequence: missense variant.
Genome position (GRCh38, 1-based): chr5:93,585,273, A>T. VCF-style: chr5-93585273-A-T. GRCh37 (hg19) VCF-style: chr5-92920979-A-T.
Other names: short protein forms I84F.
Identifiers: ClinVar variation 4997072 (VCV004997072.1).

ClinVar aggregate classification (germline): Uncertain significance (1 of 4 stars; one submission).

Conditions:
NR2F1-related disorder. Also called: NR2F1-related condition.

Submission:

PreventionGenetics, part of Exact Sciences
Classification: Uncertain significance for NR2F1-related condition. Last evaluated: 2025-01-02. Review status: criteria provided, single submitter. Criteria: ACMG Guidelines, 2015. Collection method: clinical testing. Allele origin: germline.
Comment: The NR2F1 c.250A>T variant is predicted to result in the amino acid substitution p.Ile84Phe. To our knowledge, this variant has not been reported in the literature or in a large population database (gnomAD), indicating this variant is rare. At this time, the clinical significance of this variant is uncertain due to the absence of conclusive functional and genetic evidence.